The following is an entry in ClinVar:

ClinVar aggregate classification (germline): Likely benign. Review status: criteria provided, multiple submitters, no conflicts (2 of 4 stars). 2 submissions from 2 submitters: Likely benign (2). Last evaluated 2026-06-25.

Conditions:
TOR1AIP1-related disorder. Also called: TOR1AIP1-related condition.
Autosomal recessive limb-girdle muscular dystrophy type 2Y (MRRSDC). Also called: Muscular dystrophy, autosomal recessive, with rigid spine and distal joint contractures; Muscular dystrophy, limb-girdle, type 2y. Identifiers: Orphanet 424261, MedGen C4511482, MONDO:0014900, OMIM 617072.

Allele frequency attached by ClinVar (database versions not stated): gnomAD 0.00003; TOPMed 0.00004; gnomAD exomes 0.00005; ExAC 0.00012.
gnomAD v4.1: 66 of 1,513,024 alleles (0.0044%); highest among the groups gnomAD compares: Non-Finnish European, 0.0051%; no homozygotes.

Submissions (2):

PreventionGenetics, part of Exact Sciences
Classification: Likely benign for TOR1AIP1-related condition. Last evaluated: 2026-06-25. Review status: criteria provided, single submitter. Criteria: ACMG Guidelines, 2015. Collection method: clinical testing. Allele origin: germline.
Comment: This variant is classified as likely benign based on ACMG/AMP sequence variant interpretation guidelines (Richards et al. 2015 PMID: 25741868, with internal and published modifications).

Labcorp Genetics (formerly Invitae), Labcorp
Classification: Likely benign for Autosomal recessive limb-girdle muscular dystrophy type 2Y. Last evaluated: 2025-08-11. Review status: criteria provided, single submitter. Criteria: Invitae Variant Classification Sherloc (09022015). Collection method: clinical testing. Allele origin: germline.

NM_015602.4(TOR1AIP1):c.63C>T (p.Pro21=)

Genes: TOR1AIP1 (torsin 1A interacting protein 1; plus strand), LOC112577517 (Sharpr-MPRA regulatory region 13766; plus strand). Cytogenetic location: 1q25.2.
Variant type: single nucleotide variant.
Coding change: c.63C>T on transcript NM_015602.4 (MANE Select); coding-DNA position 63, C replaced by T.
Protein change: p.Pro21=; no amino-acid change (proline 21 retained).
Molecular consequence: synonymous variant.
Genome position (GRCh38, 1-based): chr1:179,882,565, C>T. VCF-style: chr1-179882565-C-T. GRCh37 (hg19) VCF-style: chr1-179851700-C-T.
Other names: c.63C>T, p.Pro21= (NM_001267578.2); c.63C>T (NM_001267578.1).
Identifiers: ClinVar variation 2848999 (VCV002848999.4), dbSNP rs762633670, ClinGen allele CA1268636.